The following is an entry in ClinVar:

ClinVar aggregate classification (germline): Uncertain significance (1 of 4 stars; one submission).

Allele frequency attached by ClinVar (database versions not stated): gnomAD exomes below 0.00001.

Submission:

Women's Health and Genetics/Laboratory Corporation of America, LabCorp
Classification: Uncertain significance. Last evaluated: 2017-12-28. Review status: criteria provided, single submitter. Criteria: LabCorp Variant Classification Summary - May 2015. Collection method: clinical testing. Allele origin: germline.
Comment: Variant summary: The MEFV c.787C>G (p.Leu263Val) variant involves the alteration of a non-conserved nucleotide not located in any known domain (InterPro). 4/4 in silico tools predict a benign outcome for this variant (SNPsandGO not captured due to low reliability index). This variant is absent in 246222 control chromosomes. The variant of interest has not, to our knowledge, been reported in affected individuals via publications and/or reputable databases/clinical diagnostic laboratories; nor evaluated for functional impact by in vivo/vitro studies. Because of the absence of clinical information and the lack of functional studies, the variant is classified as a variant of uncertain significance (VUS) until additional information becomes available.

NM_000243.3(MEFV):c.787C>G (p.Leu263Val)

Gene: MEFV (MEFV innate immunity regulator, pyrin; minus strand). Cytogenetic location: 16p13.3.
Variant type: single nucleotide variant.
Coding change: c.787C>G on transcript NM_000243.3 (MANE Select); coding-DNA position 787, C replaced by G.
Protein change: p.Leu263Val; replaces leucine 263 with valine.
Molecular consequence: missense variant. On other transcripts: intron variant (1).
Genome position (GRCh38, 1-based): chr16:3,254,281, G>C on the plus strand (C>G on the coding strand, the complement: MEFV is on the minus strand). VCF-style: chr16-3254281-G-C. GRCh37 (hg19) VCF-style: chr16-3304281-G-C.
Other names: c.277+2030C>G (NM_001198536.2); short protein forms L263V.
Identifiers: ClinVar variation 633305 (VCV000633305.1), dbSNP rs1567237104, ClinGen allele CA394477534.